The following is an entry in ClinVar:

ClinVar aggregate classification (germline): Uncertain significance (1 of 4 stars; one submission).

Conditions:
Telangiectasia, hereditary hemorrhagic, type 1 (HHT1). Also called: Osler Weber Rendu syndrome type 1; ENG-Related Hereditary Hemorrhagic Telangiectasia. Identifiers: Orphanet 774, MedGen C4551861, MONDO:0008535, OMIM 187300. Disease mechanism: loss of function.

Submission:

Molecular Genetics, Royal Melbourne Hospital
Classification: Uncertain significance for Telangiectasia, hereditary hemorrhagic, type 1. Last evaluated: 2023-03-30. Review status: criteria provided, single submitter. Criteria: ACMG Guidelines, 2015. Collection method: clinical testing. Allele origin: germline.
Comment: This sequence change is predicted to replace proline with serine at codon 225 of the ENG protein (p.(Pro225Ser)). The proline residue is moderately conserved with serine present in two mammals (100 vertebrates, UCSC), and is located in the C-terminal part of the OR1 domain. There is a moderate physicochemical difference between proline and serine. The variant is absent in a large population cohort (gnomAD v2.1 and v3.1), and has not been reported in the relevant medical literature or databases. Multiple lines of computational evidence predict a benign effect for the missense substitution (6/6 algorithms). Based on the classification scheme RMH Modified ACMG Guidelines v1.4.0, this variant is classified as a VARIANT OF UNCERTAIN SIGNIFICANCE. Following criteria are met: PM2_Supporting, BP4.

NM_001114753.3(ENG):c.673C>T (p.Pro225Ser)

Gene: ENG (endoglin; minus strand). Cytogenetic location: 9q34.11.
Variant type: single nucleotide variant.
Coding change: c.673C>T on transcript NM_001114753.3 (MANE Select); coding-DNA position 673, C replaced by T.
Protein change: p.Pro225Ser; replaces proline 225 with serine.
Molecular consequence: missense variant.
Genome position (GRCh38, 1-based): chr9:127,825,711, G>A on the plus strand (C>T on the coding strand, the complement: ENG is on the minus strand). VCF-style: chr9-127825711-G-A. GRCh37 (hg19) VCF-style: chr9-130587990-G-A.
Other names: c.673C>T, p.Pro225Ser (NM_000118.4, NM_001406715.1); c.127C>T, p.Pro43Ser (NM_001278138.2); short protein forms P225S, P43S.
Identifiers: ClinVar variation 1321216 (VCV001321216.5), dbSNP rs1554810373, ClinGen allele CA374983507.